The following is an entry in ClinVar:

NM_003322.6(TULP1):c.961T>G (p.Tyr321Asp)

Gene: TULP1 (TUB like protein 1; minus strand). Cytogenetic location: 6p21.31.
Variant type: single nucleotide variant.
Coding change: c.961T>G on transcript NM_003322.6 (MANE Select); coding-DNA position 961, T replaced by G.
Protein change: p.Tyr321Asp; replaces tyrosine 321 with aspartic acid.
Molecular consequence: missense variant.
Genome position (GRCh38, 1-based): chr6:35,506,041, A>C on the plus strand (T>G on the coding strand, the complement: TULP1 is on the minus strand). VCF-style: chr6-35506041-A-C. GRCh37 (hg19) VCF-style: chr6-35473818-A-C.
Other names: c.802T>G, p.Tyr268Asp (NM_001289395.2); short protein forms Y321D, Y268D.
Identifiers: ClinVar variation 193654 (VCV000193654.16), dbSNP rs794726991, ClinGen allele CA239234.

ClinVar aggregate classification (germline): Conflicting classifications of pathogenicity. Review status: criteria provided, conflicting classifications (1 of 4 stars). 4 submissions from 4 submitters: Likely pathogenic (3); Uncertain significance (1). Last evaluated 2024-06-14.

Conditions:
TULP1-related disorder. Also called: TULP1-related condition; TULP1-related disorders.
Leber congenital amaurosis 15 (LCA15). Identifiers: Orphanet 65, MedGen C3151206, MONDO:0013457, OMIM 613843.
Retinitis pigmentosa 14 (RP14). Also called: RETINITIS PIGMENTOSA, JUVENILE, TULP1-RELATED. Identifiers: Orphanet 791, MedGen C1838603, MONDO:0010827, OMIM 600132.

Allele frequency attached by ClinVar (database versions not stated): gnomAD exomes below 0.00001.
gnomAD v4.1: 2 of 1,613,944 alleles (0.00012%); highest among the groups gnomAD compares: African/African-American, 0.0013%; no homozygotes.

Submissions (4):

Fulgent Genetics
Classification: Likely pathogenic for Retinitis pigmentosa 14; Leber congenital amaurosis 15. Last evaluated: 2024-06-14. Review status: criteria provided, single submitter. Criteria: ACMG Guidelines, 2015. Collection method: clinical testing. Allele origin: germline.

Labcorp Genetics (formerly Invitae), Labcorp
Classification: Likely pathogenic. Last evaluated: 2024-03-07. Review status: criteria provided, single submitter. Criteria: Invitae Variant Classification Sherloc (09022015). Collection method: clinical testing. Allele origin: germline.
Comment: This sequence change replaces tyrosine, which is neutral and polar, with aspartic acid, which is acidic and polar, at codon 321 of the TULP1 protein (p.Tyr321Asp). This variant is present in population databases (rs794726991, gnomAD 0.007%). This missense change has been observed in individual(s) with clinical features of Leber congenital amaurosis (PMID: 23847139). In at least one individual the data is consistent with being in trans (on the opposite chromosome) from a pathogenic variant. ClinVar contains an entry for this variant (Variation ID: 193654). Advanced modeling of protein sequence and biophysical properties (such as structural, functional, and spatial information, amino acid conservation, physicochemical variation, residue mobility, and thermodynamic stability) performed at Invitae indicates that this missense variant is expected to disrupt TULP1 protein function with a positive predictive value of 95%. In summary, the currently available evidence indicates that the variant is pathogenic, but additional data are needed to prove that conclusively. Therefore, this variant has been classified as Likely Pathogenic.

Blueprint Genetics
Classification: Likely pathogenic for TULP1-related disorders. Last evaluated: 2020-09-11. Review status: criteria provided, single submitter. Criteria: ACMG Guidelines, 2015. Collection method: clinical testing. Allele origin: germline. Affected: yes. Observed: 2 variant alleles.

Eurofins Ntd Llc (ga)
Classification: Uncertain significance. Last evaluated: 2014-08-25. Review status: criteria provided, single submitter. Criteria: EGL Classification Definitions 2015. Collection method: clinical testing. Allele origin: germline. Observed: 1 variant allele, 1 heterozygote.

Literature cited by the submitters: PubMed 23847139 (cited by Labcorp Genetics (formerly Invitae), Labcorp and Eurofins Ntd Llc (ga)).